The following is an entry in ClinVar:

NM_001358530.2(MOCS1):c.1106T>A (p.Met369Lys)

Gene: MOCS1 (molybdenum cofactor synthesis 1; minus strand). Cytogenetic location: 6p21.2.
Variant type: single nucleotide variant.
Coding change: c.1106T>A on transcript NM_001358530.2 (MANE Select); coding-DNA position 1106, T replaced by A.
Protein change: p.Met369Lys; replaces methionine 369 with lysine.
Molecular consequence: missense variant. On other transcripts: intron variant (1).
Genome position (GRCh38, 1-based): chr6:39,909,099, A>T on the plus strand (T>A on the coding strand, the complement: MOCS1 is on the minus strand). VCF-style: chr6-39909099-A-T. GRCh37 (hg19) VCF-style: chr6-39876875-A-T.
Other names: c.1106T>A, p.Met369Lys (NM_001075098.4, NM_005943.6); c.845T>A, p.Met282Lys (NM_001358531.2, NM_001358533.2, NM_001358534.2); c.1102+736T>A (NM_001358529.2); short protein forms M282K, M369K.
Identifiers: ClinVar variation 855439 (VCV000855439.11), dbSNP rs200072824, ClinGen allele CA3796026.

ClinVar aggregate classification (germline): Uncertain significance. Review status: criteria provided, multiple submitters, no conflicts (2 of 4 stars). 4 submissions from 4 submitters: Uncertain significance (4). Last evaluated 2024-10-03.

Conditions:
Sulfite oxidase deficiency due to molybdenum cofactor deficiency type A. Also called: Molybdenum Cofactor Deficiency A; Molybdenum cofactor deficiency, complementation group A. Identifiers: Orphanet 308386, Orphanet 833, MedGen C1854988, MONDO:0009643, OMIM 252150.

Allele frequency attached by ClinVar (database versions not stated): gnomAD exomes 0.00003; gnomAD 0.00006 and 0.00007; ExAC 0.00002; 1000 Genomes Project 0.00040; 1000 Genomes Project 30x 0.00047.

Submissions (4):

GeneDx
Classification: Uncertain significance. Last evaluated: 2024-10-03. Review status: criteria provided, single submitter. Criteria: GeneDx Variant Classification Process June 2021. Collection method: clinical testing. Allele origin: germline. Affected: yes.
Comment: Not observed at significant frequency in large population cohorts (gnomAD); In silico analysis supports that this missense variant has a deleterious effect on protein structure/function; Has not been previously published as pathogenic or benign to our knowledge

Fulgent Genetics
Classification: Uncertain significance for Sulfite oxidase deficiency due to molybdenum cofactor deficiency type A. Last evaluated: 2024-06-08. Review status: criteria provided, single submitter. Criteria: ACMG Guidelines, 2015. Collection method: clinical testing. Allele origin: germline.

Labcorp Genetics (formerly Invitae), Labcorp
Classification: Uncertain significance for Sulfite oxidase deficiency due to molybdenum cofactor deficiency type A. Last evaluated: 2022-10-18. Review status: criteria provided, single submitter. Criteria: Invitae Variant Classification Sherloc (09022015). Collection method: clinical testing. Allele origin: germline.
Comment: This sequence change replaces methionine, which is neutral and non-polar, with lysine, which is basic and polar, at codon 369 of the MOCS1 protein (p.Met369Lys). This variant is present in population databases (rs200072824, gnomAD 0.009%). This variant has not been reported in the literature in individuals affected with MOCS1-related conditions. ClinVar contains an entry for this variant (Variation ID: 855439). Algorithms developed to predict the effect of missense changes on protein structure and function are either unavailable or do not agree on the potential impact of this missense change (SIFT: "Deleterious"; PolyPhen-2: "Benign"; Align-GVGD: "Class C0"). In summary, the available evidence is currently insufficient to determine the role of this variant in disease. Therefore, it has been classified as a Variant of Uncertain Significance.

Mayo Clinic Laboratories, Mayo Clinic
Classification: Uncertain significance. Last evaluated: 2020-07-16. Review status: criteria provided, single submitter. Criteria: ACMG Guidelines, 2015. Collection method: clinical testing. Allele origin: germline. Observed: 1 variant allele.